The following is an entry in ClinVar:

NM_080473.5(GATA5):c.35G>T (p.Arg12Leu)

Gene: GATA5 (GATA binding protein 5; minus strand). Cytogenetic location: 20q13.33.
Variant type: single nucleotide variant.
Coding change: c.35G>T on transcript NM_080473.5 (MANE Select); coding-DNA position 35, G replaced by T.
Protein change: p.Arg12Leu; replaces arginine 12 with leucine.
Molecular consequence: missense variant.
Genome position (GRCh38, 1-based): chr20:62,475,487, C>A on the plus strand (G>T on the coding strand, the complement: GATA5 is on the minus strand). VCF-style: chr20-62475487-C-A. GRCh37 (hg19) VCF-style: chr20-61050543-C-A.
Other names: c.35G>T (NM_080473.4); short protein forms R12L.
Identifiers: ClinVar variation 2039838 (VCV002039838.5), dbSNP rs782050292, ClinGen allele CA409558024.

ClinVar aggregate classification (germline): Uncertain significance. Review status: criteria provided, multiple submitters, no conflicts (2 of 4 stars). 2 submissions from 2 submitters: Uncertain significance (2). Last evaluated 2026-04-02.

Conditions:
GATA5-related disorder. Also called: GATA5-related condition.

Allele frequency attached by ClinVar (database versions not stated): TOPMed 0.00001.
gnomAD v4.1: 4 of 1,320,564 alleles (0.0003%); highest among the groups gnomAD compares: Admixed American, 0.014%; no homozygotes.

Submissions (2):

PreventionGenetics, part of Exact Sciences
Classification: Uncertain significance for GATA5-related condition. Last evaluated: 2026-04-02. Review status: criteria provided, single submitter. Criteria: ACMG Guidelines, 2015. Collection method: clinical testing. Allele origin: germline.
Comment: The GATA5 c.35G>T variant is predicted to result in the amino acid substitution p.Arg12Leu. To our knowledge, this variant has not been reported in the literature. This variant is reported in 0.055% of alleles in individuals of Latino descent in gnomAD. At this time, the clinical significance of this variant is uncertain due to the absence of conclusive functional and genetic evidence.

Labcorp Genetics (formerly Invitae), Labcorp
Classification: Uncertain significance. Last evaluated: 2026-01-12. Review status: criteria provided, single submitter. Criteria: Invitae Variant Classification Sherloc (09022015). Collection method: clinical testing. Allele origin: germline.
Comment: This sequence change replaces arginine, which is basic and polar, with leucine, which is neutral and non-polar, at codon 12 of the GATA5 protein (p.Arg12Leu). The frequency data for this variant in the population databases is considered unreliable, as metrics indicate poor data quality at this position in the gnomAD database. This variant has not been reported in the literature in individuals affected with GATA5-related conditions. ClinVar contains an entry for this variant (Variation ID: 2039838). An algorithm developed to predict the effect of missense changes on protein structure and function (PolyPhen-2) suggests that this variant is likely to be tolerated. In summary, the available evidence is currently insufficient to determine the role of this variant in disease. Therefore, it has been classified as a Variant of Uncertain Significance.